The following is an entry in ClinVar:

NM_007375.4(TARDBP):c.1150G>C (p.Gly384Arg)

Gene: TARDBP (TAR DNA binding protein; plus strand). Cytogenetic location: 1p36.22.
Variant type: single nucleotide variant.
Coding change: c.1150G>C on transcript NM_007375.4 (MANE Select); coding-DNA position 1150, G replaced by C.
Protein change: p.Gly384Arg; replaces glycine 384 with arginine.
Molecular consequence: missense variant.
Genome position (GRCh38, 1-based): chr1:11,022,559, G>C. VCF-style: chr1-11022559-G-C. GRCh37 (hg19) VCF-style: chr1-11082616-G-C.
Identifiers: ClinVar variation 190399 (VCV000190399.13), dbSNP rs797044594, ClinGen allele CA347247.

ClinVar aggregate classification (germline): Conflicting classifications of pathogenicity. Review status: criteria provided, conflicting classifications (1 of 4 stars). 3 submissions from 3 submitters: Likely pathogenic (1); Uncertain significance (1). 1 of the submissions does not count toward it. Last evaluated 2023-05-27.

Conditions:
Amyotrophic lateral sclerosis type 10 (ALS10). Also called: TARDBP-Related Amyotrophic Lateral Sclerosis-Frontotemporal Dementia; Amyotrophic lateral sclerosis 10, with or without FTD; AMYOTROPHIC LATERAL SCLEROSIS 10 WITH OR WITHOUT FRONTOTEMPORAL DEMENTIA; AMYOTROPHIC LATERAL SCLEROSIS 10 WITHOUT FRONTOTEMPORAL DEMENTIA AND WITH TDP43 INCLUSIONS; AMYOTROPHIC LATERAL SCLEROSIS 10 WITH OR WITHOUT FRONTOTEMPORAL DEMENTIA AND WITH TDP43 INCLUSIONS. Identifiers: Orphanet 275872, Orphanet 803, MedGen C2677565, MONDO:0012790, OMIM 612069.
FRONTOTEMPORAL LOBAR DEGENERATION WITH TDP43 INCLUSIONS, TARDBP-RELATED. Also called: Frontotemporal lobar degeneration, TARDBP-related. Identifiers: MedGen C3150169, OMIM 612069.

Submissions (3):

Labcorp Genetics (formerly Invitae), Labcorp
Classification: Likely pathogenic for Amyotrophic lateral sclerosis type 10; FRONTOTEMPORAL LOBAR DEGENERATION WITH TDP43 INCLUSIONS, TARDBP-RELATED. Last evaluated: 2023-05-27. Review status: criteria provided, single submitter. Criteria: Invitae Variant Classification Sherloc (09022015). Collection method: clinical testing. Allele origin: germline.
Comment: This sequence change replaces glycine, which is neutral and non-polar, with arginine, which is basic and polar, at codon 384 of the TARDBP protein (p.Gly384Arg). In summary, the currently available evidence indicates that the variant is pathogenic, but additional data are needed to prove that conclusively. Therefore, this variant has been classified as Likely Pathogenic. An algorithm developed to predict the effect of missense changes on protein structure and function (PolyPhen-2) suggests that this variant is likely to be disruptive. ClinVar contains an entry for this variant (Variation ID: 190399). This missense change has been observed in individuals with amyotrophic lateral sclerosis (PMID: 20031275, 20577002, 21438137, 28444446; Invitae). It has also been observed to segregate with disease in related individuals. This variant is not present in population databases (gnomAD no frequency).

Athena Diagnostics
Classification: Uncertain significance. Last evaluated: 2018-05-15. Review status: criteria provided, single submitter. Criteria: Athena Diagnostics Criteria. Collection method: clinical testing. Allele origin: germline.

GeneReviews
No classification provided. Condition: Amyotrophic lateral sclerosis type 10. Review status: no classification provided. Collection method: literature only. Allele origin: germline. Affected: yes. Not counted in ClinVar's aggregate classification.
Comment: Limited evidence of segregation.

Literature cited by the submitters: PubMed 20031275 (cited by Labcorp Genetics (formerly Invitae), Labcorp); PubMed 20577002 (cited by Labcorp Genetics (formerly Invitae), Labcorp and Athena Diagnostics); PubMed 21438137 (cited by Labcorp Genetics (formerly Invitae), Labcorp); PubMed 28444446 (cited by Labcorp Genetics (formerly Invitae), Labcorp); NCBI Bookshelf NBK5942 (cited by GeneReviews).